The following is an entry in ClinVar:

NM_170606.3(KMT2C):c.7502C>G (p.Pro2501Arg)

Gene: KMT2C (lysine methyltransferase 2C; minus strand). Cytogenetic location: 7q36.1.
Variant type: single nucleotide variant.
Coding change: c.7502C>G on transcript NM_170606.3 (MANE Select); coding-DNA position 7502, C replaced by G.
Protein change: p.Pro2501Arg; replaces proline 2501 with arginine.
Molecular consequence: missense variant.
Genome position (GRCh38, 1-based): chr7:152,177,951, G>C on the plus strand (C>G on the coding strand, the complement: KMT2C is on the minus strand). VCF-style: chr7-152177951-G-C. GRCh37 (hg19) VCF-style: chr7-151875036-G-C.
Other names: short protein forms P2501R.
Identifiers: ClinVar variation 3688270 (VCV003688270.2).

ClinVar aggregate classification (germline): Uncertain significance (1 of 4 stars; one submission).

Submission:

Labcorp Genetics (formerly Invitae), Labcorp
Classification: Uncertain significance. Last evaluated: 2024-12-04. Review status: criteria provided, single submitter. Criteria: Invitae Variant Classification Sherloc (09022015). Collection method: clinical testing. Allele origin: germline.
Comment: This sequence change replaces proline, which is neutral and non-polar, with arginine, which is basic and polar, at codon 2501 of the KMT2C protein (p.Pro2501Arg). This variant is not present in population databases (gnomAD no frequency). This variant has not been reported in the literature in individuals affected with KMT2C-related conditions. An algorithm developed to predict the effect of missense changes on protein structure and function (PolyPhen-2) suggests that this variant is likely to be disruptive. In summary, the available evidence is currently insufficient to determine the role of this variant in disease. Therefore, it has been classified as a Variant of Uncertain Significance.